The following is an entry in ClinVar:

NM_001291303.3(FAT4):c.12994C>T (p.His4332Tyr)

Gene: FAT4 (FAT atypical cadherin 4; plus strand). Cytogenetic location: 4q28.1.
Variant type: single nucleotide variant.
Coding change: c.12994C>T on transcript NM_001291303.3 (MANE Select); coding-DNA position 12994, C replaced by T.
Protein change: p.His4332Tyr; replaces histidine 4332 with tyrosine.
Molecular consequence: missense variant.
Genome position (GRCh38, 1-based): chr4:125,487,516, C>T. VCF-style: chr4-125487516-C-T. GRCh37 (hg19) VCF-style: chr4-126408671-C-T.
Other names: c.12994C>T, p.His4332Tyr (NM_001291285.3); c.12988C>T, p.His4330Tyr (NM_024582.6); short protein forms H4330Y, H4332Y.
Identifiers: ClinVar variation 1968828 (VCV001968828.5), dbSNP rs377107758, ClinGen allele CA3074235.

ClinVar aggregate classification (germline): Uncertain significance (1 of 4 stars; one submission).

Allele frequency attached by ClinVar (database versions not stated): gnomAD exomes below 0.00001; ExAC 0.00002; TOPMed 0.00003; gnomAD 0.00005; ESP Exome Variant Server 0.00008.

Submission:

Labcorp Genetics (formerly Invitae), Labcorp
Classification: Uncertain significance. Last evaluated: 2022-04-07. Review status: criteria provided, single submitter. Criteria: Invitae Variant Classification Sherloc (09022015). Collection method: clinical testing. Allele origin: germline.
Comment: This sequence change replaces histidine, which is basic and polar, with tyrosine, which is neutral and polar, at codon 4330 of the FAT4 protein (p.His4330Tyr). This variant is present in population databases (rs377107758, gnomAD 0.01%). This variant has not been reported in the literature in individuals affected with FAT4-related conditions. Advanced modeling of protein sequence and biophysical properties (such as structural, functional, and spatial information, amino acid conservation, physicochemical variation, residue mobility, and thermodynamic stability) performed at Invitae indicates that this missense variant is not expected to disrupt FAT4 protein function. In summary, the available evidence is currently insufficient to determine the role of this variant in disease. Therefore, it has been classified as a Variant of Uncertain Significance.